The following is an entry in ClinVar:

NM_019842.4(KCNQ5):c.1397G>A (p.Ser466Asn)

Gene: KCNQ5 (potassium voltage-gated channel subfamily Q member 5; plus strand). Cytogenetic location: 6q13.
Variant type: single nucleotide variant.
Coding change: c.1397G>A on transcript NM_019842.4 (MANE Select); coding-DNA position 1397, G replaced by A.
Protein change: p.Ser466Asn; replaces serine 466 with asparagine.
Molecular consequence: missense variant. On other transcripts: intron variant (1).
Genome position (GRCh38, 1-based): chr6:73,133,570, G>A. VCF-style: chr6-73133570-G-A. GRCh37 (hg19) VCF-style: chr6-73843293-G-A.
Other names: c.1370G>A, p.Ser457Asn (NM_001160130.2); c.1427G>A, p.Ser476Asn (NM_001160132.2); c.1454G>A, p.Ser485Asn (NM_001160133.2); c.1247+9058G>A (NM_001160134.2); short protein forms S457N, S485N, S466N, S476N.
Identifiers: ClinVar variation 3664595 (VCV003664595.2).

ClinVar aggregate classification (germline): Uncertain significance (1 of 4 stars; one submission).

Submission:

Labcorp Genetics (formerly Invitae), Labcorp
Classification: Uncertain significance. Last evaluated: 2024-10-30. Review status: criteria provided, single submitter. Criteria: Invitae Variant Classification Sherloc (09022015). Collection method: clinical testing. Allele origin: germline.
Comment: This sequence change replaces serine, which is neutral and polar, with asparagine, which is neutral and polar, at codon 485 of the KCNQ5 protein (p.Ser485Asn). This variant is not present in population databases (gnomAD no frequency). This variant has not been reported in the literature in individuals affected with KCNQ5-related conditions. Invitae Evidence Modeling of protein sequence and biophysical properties (such as structural, functional, and spatial information, amino acid conservation, physicochemical variation, residue mobility, and thermodynamic stability) indicates that this missense variant is not expected to disrupt KCNQ5 protein function with a negative predictive value of 80%. In summary, the available evidence is currently insufficient to determine the role of this variant in disease. Therefore, it has been classified as a Variant of Uncertain Significance.